The following is an entry in ClinVar:

NM_000545.8(HNF1A):c.292G>A (p.Ala98Thr)

Gene: HNF1A (HNF1 homeobox A; plus strand). Cytogenetic location: 12q24.31.
Variant type: single nucleotide variant.
Coding change: c.292G>A on transcript NM_000545.8 (MANE Select); coding-DNA position 292, G replaced by A.
Protein change: p.Ala98Thr; replaces alanine 98 with threonine.
Molecular consequence: missense variant.
Genome position (GRCh38, 1-based): chr12:120,979,060, G>A. VCF-style: chr12-120979060-G-A. GRCh37 (hg19) VCF-style: chr12-121416863-G-A.
Other names: c.292G>A, p.Ala98Thr (NM_001306179.2, NM_001406915.1); short protein forms A98T.
Identifiers: ClinVar variation 3232045 (VCV003232045.1), dbSNP rs1311539397, ClinGen allele CA386954537.

ClinVar aggregate classification (germline): Uncertain significance (1 of 4 stars; one submission).

Conditions:
Maturity-onset diabetes of the young (MODY). Also called: Maturity onset diabetes mellitus in young. Identifiers: Orphanet 552, MedGen C0342276, MONDO:0018911, HP:0004904.

Allele frequency attached by ClinVar (database versions not stated): gnomAD exomes below 0.00001; TOPMed below 0.00001.

Submission:

Ambry Genetics
Classification: Uncertain significance for Maturity-onset diabetes of the young. Last evaluated: 2024-02-21. Review status: criteria provided, single submitter. Criteria: Ambry Variant Classification Scheme 2023. Collection method: clinical testing. Allele origin: germline.
Comment: The p.A98T variant (also known as c.292G>A), located in coding exon 1 of the HNF1A gene, results from a G to A substitution at nucleotide position 292. The alanine at codon 98 is replaced by threonine, an amino acid with similar properties. This amino acid position is well conserved in available vertebrate species. In addition, this alteration is predicted to be deleterious by in silico analysis. Based on the available evidence, the clinical significance of this alteration remains unclear.